The following is an entry in ClinVar:

NM_001378454.1(ALMS1):c.7374T>G (p.Asp2458Glu)

Gene: ALMS1 (ALMS1 centrosome and basal body associated protein; plus strand). Cytogenetic location: 2p13.1.
Variant type: single nucleotide variant.
Coding change: c.7374T>G on transcript NM_001378454.1 (MANE Select); coding-DNA position 7374, T replaced by G.
Protein change: p.Asp2458Glu; replaces aspartic acid 2458 with glutamic acid.
Molecular consequence: missense variant.
Genome position (GRCh38, 1-based): chr2:73,453,901, T>G. VCF-style: chr2-73453901-T-G. GRCh37 (hg19) VCF-style: chr2-73681028-T-G.
Other names: c.7377T>G, p.Asp2459Glu (NM_015120.4); short protein forms D2458E, D2459E.
Identifiers: ClinVar variation 3226629 (VCV003226629.1), dbSNP rs758690154, ClinGen allele CA1714222.

ClinVar aggregate classification (germline): Uncertain significance (1 of 4 stars; one submission).

Conditions:
Cardiovascular phenotype. Identifiers: MedGen CN230736.

Allele frequency attached by ClinVar (database versions not stated): gnomAD exomes 0.00001; ExAC 0.00002.
gnomAD v4.1: 8 of 1,614,054 alleles (0.0005%); highest among the groups gnomAD compares: South Asian, 0.0088%; no homozygotes.

Submission:

Ambry Genetics
Classification: Uncertain significance for Cardiovascular phenotype. Last evaluated: 2024-01-09. Review status: criteria provided, single submitter. Criteria: Ambry Variant Classification Scheme 2023. Collection method: clinical testing. Allele origin: germline.
Comment: The p.D2459E variant (also known as c.7377T>G), located in coding exon 8 of the ALMS1 gene, results from a T to G substitution at nucleotide position 7377. The aspartic acid at codon 2459 is replaced by glutamic acid, an amino acid with highly similar properties. This amino acid position is highly conserved in available vertebrate species. In addition, this alteration is predicted to be tolerated by in silico analysis. Since supporting evidence is limited at this time, the clinical significance of this alteration remains unclear.